The following is an entry in ClinVar:

ClinVar aggregate classification (germline): Benign. Review status: criteria provided, multiple submitters, no conflicts (2 of 4 stars). 2 submissions from 2 submitters: Benign (2). Last evaluated 2026-01-26.

Allele frequency attached by ClinVar (database versions not stated): gnomAD exomes 0.00043 and 0.00126; ExAC 0.00262; gnomAD 0.00446 and 0.00478; ESP Exome Variant Server 0.00546; TOPMed 0.00559; 1000 Genomes Project 0.00619; 1000 Genomes Project 30x 0.00640.
gnomAD v4.1: 1,324 of 1,605,312 alleles (0.082%); highest among the groups gnomAD compares: African/African-American, 1.6%; 10 homozygotes.

Submissions (2):

Labcorp Genetics (formerly Invitae), Labcorp
Classification: Benign. Last evaluated: 2026-01-26. Review status: criteria provided, single submitter. Criteria: Invitae Variant Classification Sherloc (09022015). Collection method: clinical testing. Allele origin: germline.

GeneDx
Classification: Benign. Last evaluated: 2014-06-23. Review status: criteria provided, single submitter. Criteria: GeneDx Variant Classification (06012015). Collection method: clinical testing. Allele origin: germline. Affected: yes.
Comment: This variant is considered likely benign or benign based on one or more of the following criteria: it is a conservative change, it occurs at a poorly conserved position in the protein, it is predicted to be benign by multiple in silico algorithms, and/or has population frequency not consistent with disease.

NM_024996.7(GFM1):c.368-18A>G

Gene: GFM1 (G elongation factor mitochondrial 1; plus strand). Cytogenetic location: 3q25.32.
Variant type: single nucleotide variant.
Coding change: c.368-18A>G on transcript NM_024996.7 (MANE Select); 18 bases into the intron before coding-DNA position 368, A replaced by G.
Molecular consequence: intron variant.
Genome position (GRCh38, 1-based): chr3:158,646,725, A>G. VCF-style: chr3-158646725-A-G. GRCh37 (hg19) VCF-style: chr3-158364514-A-G.
Other names: c.368-18A>G (NM_001308164.2, NM_001374355.1, NM_001374356.1 and 1 more transcripts); c.143-18A>G (NM_001374357.1); c.5+944A>G (NM_001374359.1, NM_001374360.1, NM_001374361.1); c.234+944A>G (NM_001374358.1).
Identifiers: ClinVar variation 214481 (VCV000214481.9), dbSNP rs185654103, ClinGen allele CA323647.